The following is an entry in ClinVar:

NM_021629.4(GNB4):c.91G>C (p.Val31Leu)

Gene: GNB4 (G protein subunit beta 4; minus strand). Cytogenetic location: 3q26.33.
Variant type: single nucleotide variant.
Coding change: c.91G>C on transcript NM_021629.4 (MANE Select); coding-DNA position 91, G replaced by C.
Protein change: p.Val31Leu; replaces valine 31 with leucine.
Molecular consequence: missense variant.
Genome position (GRCh38, 1-based): chr3:179,420,894, C>G on the plus strand (G>C on the coding strand, the complement: GNB4 is on the minus strand). VCF-style: chr3-179420894-C-G. GRCh37 (hg19) VCF-style: chr3-179138682-C-G.
Other names: short protein forms V31L.
Identifiers: ClinVar variation 4740285 (VCV004740285.1).

ClinVar aggregate classification (germline): Uncertain significance (1 of 4 stars; one submission).

Conditions:
Charcot-Marie-Tooth disease dominant intermediate F. Identifiers: Orphanet 352670, MedGen C4749463, MONDO:0014074, OMIM 615185.

gnomAD v4.1: 20 of 1,587,504 alleles (0.0013%); highest among the groups gnomAD compares: Non-Finnish European, 0.0017%; no homozygotes.

Submission:

Labcorp Genetics (formerly Invitae), Labcorp
Classification: Uncertain significance for Charcot-Marie-Tooth disease dominant intermediate F. Last evaluated: 2025-10-17. Review status: criteria provided, single submitter. Criteria: Invitae Variant Classification Sherloc (09022015). Collection method: clinical testing. Allele origin: germline.
Comment: This sequence change replaces valine, which is neutral and non-polar, with leucine, which is neutral and non-polar, at codon 31 of the GNB4 protein (p.Val31Leu). This variant is not present in population databases (gnomAD no frequency). This variant has not been reported in the literature in individuals affected with GNB4-related conditions. Invitae Evidence Modeling of protein sequence and biophysical properties (such as structural, functional, and spatial information, amino acid conservation, physicochemical variation, residue mobility, and thermodynamic stability) indicates that this missense variant is not expected to disrupt GNB4 protein function with a negative predictive value of 95%. In summary, the available evidence is currently insufficient to determine the role of this variant in disease. Therefore, it has been classified as a Variant of Uncertain Significance.